The following is an entry in ClinVar:

ClinVar aggregate classification (germline): Uncertain significance. Review status: criteria provided, multiple submitters, no conflicts (2 of 4 stars). 2 submissions from 2 submitters: Uncertain significance (2). Last evaluated 2025-08-26.

Conditions:
Inborn genetic diseases. Identifiers: MedGen C0950123, MeSH D030342.
Ectodermal dysplasia and immunodeficiency 2. Identifiers: Orphanet 238468, Orphanet 98813, MedGen C2677481, MONDO:0012806, OMIM 612132.

Allele frequency attached by ClinVar (database versions not stated): gnomAD exomes below 0.00001.
gnomAD v4.1: 2 of 1,614,132 alleles (0.00012%); highest among the groups gnomAD compares: South Asian, 0.0022%; no homozygotes.

Submissions (2):

Ambry Genetics
Classification: Uncertain significance for Inborn genetic diseases. Last evaluated: 2025-08-26. Review status: criteria provided, single submitter. Criteria: Ambry Variant Classification Scheme 2023. Collection method: clinical testing. Allele origin: germline.

Labcorp Genetics (formerly Invitae), Labcorp
Classification: Uncertain significance for Ectodermal dysplasia and immunodeficiency 2. Last evaluated: 2023-11-28. Review status: criteria provided, single submitter. Criteria: Invitae Variant Classification Sherloc (09022015). Collection method: clinical testing. Allele origin: germline.
Comment: This sequence change replaces tyrosine, which is neutral and polar, with cysteine, which is neutral and slightly polar, at codon 254 of the NFKBIA protein (p.Tyr254Cys). This variant is not present in population databases (gnomAD no frequency). This variant has not been reported in the literature in individuals affected with NFKBIA-related conditions. ClinVar contains an entry for this variant (Variation ID: 1500526). An algorithm developed to predict the effect of missense changes on protein structure and function (PolyPhen-2) suggests that this variant is likely to be tolerated. In summary, the available evidence is currently insufficient to determine the role of this variant in disease. Therefore, it has been classified as a Variant of Uncertain Significance.

NM_020529.3(NFKBIA):c.761A>G (p.Tyr254Cys)

Gene: NFKBIA (NFKB inhibitor alpha; minus strand). Cytogenetic location: 14q13.2.
Variant type: single nucleotide variant.
Coding change: c.761A>G on transcript NM_020529.3 (MANE Select); coding-DNA position 761, A replaced by G.
Protein change: p.Tyr254Cys; replaces tyrosine 254 with cysteine.
Molecular consequence: missense variant.
Genome position (GRCh38, 1-based): chr14:35,402,539, T>C on the plus strand (A>G on the coding strand, the complement: NFKBIA is on the minus strand). VCF-style: chr14-35402539-T-C. GRCh37 (hg19) VCF-style: chr14-35871745-T-C.
Other names: c.761A>G (NM_020529.2); short protein forms Y254C.
Identifiers: ClinVar variation 1500526 (VCV001500526.9), dbSNP rs928841865, ClinGen allele CA258860984.